The following is an entry in ClinVar:

ClinVar aggregate classification (germline): Pathogenic (1 of 4 stars; one submission).

Conditions:
Marfan syndrome (MFS). Also called: FBN1-Related Marfan Syndrome; MARFAN SYNDROME, TYPE I; Marfan syndrome type 1; Marfan's syndrome; Marfan syndrome, classic. Identifiers: Orphanet 284963, Orphanet 558, MedGen C0024796, MONDO:0007947, OMIM 154700.
Familial thoracic aortic aneurysm and aortic dissection (TAAD). Also called: Thoracic aortic aneurysms and dissections. Identifiers: Orphanet 91387, MedGen C4707243, MONDO:0019625.

Submission:

Labcorp Genetics (formerly Invitae), Labcorp
Classification: Pathogenic for Marfan syndrome; Familial thoracic aortic aneurysm and aortic dissection. Last evaluated: 2025-11-08. Review status: criteria provided, single submitter. Criteria: Invitae Variant Classification Sherloc (09022015). Collection method: clinical testing. Allele origin: germline.
Comment: This sequence change affects an acceptor splice site in intron 48 of the FBN1 gene. It is expected to disrupt RNA splicing. Variants that disrupt the donor or acceptor splice site typically lead to a loss of protein function (PMID: 16199547), and loss-of-function variants in FBN1 are known to be pathogenic (PMID: 17657824, 19293843). This variant is not present in population databases (gnomAD no frequency). Disruption of this splice site has been observed in individuals with clinical features of FBN1-related conditions (PMID: 16220557, 20564469, 27611364, 34456093). Algorithms developed to predict the effect of sequence changes on RNA splicing suggest that this variant may disrupt the consensus splice site. For these reasons, this variant has been classified as Pathogenic.

Literature cited by the submitters: PubMed 16199547; PubMed 17657824; PubMed 19293843; PubMed 16220557; PubMed 20564469; PubMed 27611364; PubMed 34456093.

NM_000138.5(FBN1):c.5918-1G>T

Gene: FBN1 (fibrillin 1; minus strand). Cytogenetic location: 15q21.1.
Variant type: single nucleotide variant.
Coding change: c.5918-1G>T on transcript NM_000138.5 (MANE Select); the canonical splice acceptor site of the intron before coding-DNA position 5918, G replaced by T.
Molecular consequence: splice acceptor variant.
Genome position (GRCh38, 1-based): chr15:48,444,661, C>A on the plus strand (G>T on the coding strand, the complement: FBN1 is on the minus strand). VCF-style: chr15-48444661-C-A. GRCh37 (hg19) VCF-style: chr15-48736858-C-A.
Other names: c.5918-1G>T (NM_001406716.1).
Identifiers: ClinVar variation 4786628 (VCV004786628.1).